The following is an entry in ClinVar:

NM_001042631.3(SDHAF1):c.334C>T (p.Pro112Ser)

Genes: SDHAF1 (succinate dehydrogenase complex assembly factor 1; plus strand), LOC130064281 (ATAC-STARR-seq lymphoblastoid silent region 10546; plus strand). Cytogenetic location: 19q13.12.
Variant type: single nucleotide variant.
Coding change: c.334C>T on transcript NM_001042631.3 (MANE Select); coding-DNA position 334, C replaced by T.
Protein change: p.Pro112Ser; replaces proline 112 with serine.
Molecular consequence: missense variant.
Genome position (GRCh38, 1-based): chr19:35,995,608, C>T. VCF-style: chr19-35995608-C-T. GRCh37 (hg19) VCF-style: chr19-36486510-C-T.
Other names: p.P112S:CCC>TCC; p.Pro112Ser; short protein forms P112S.
Identifiers: ClinVar variation 139090 (VCV000139090.51), dbSNP rs78119534, ClinGen allele CA293458.

ClinVar aggregate classification (germline): Conflicting classifications of pathogenicity. Review status: criteria provided, conflicting classifications (1 of 4 stars). 6 submissions from 6 submitters: Uncertain significance (3); Benign (1); Likely benign (2). Last evaluated 2024-09-24.

Conditions:
Mitochondrial complex II deficiency, nuclear type 1. Also called: SUCCINATE CoQ REDUCTASE DEFICIENCY. Identifiers: Orphanet 3208, MedGen C5700310, MONDO:0100294, OMIM 252011.

Allele frequency attached by ClinVar (database versions not stated): ExAC 0.00008; gnomAD exomes 0.00009 and 0.00016; gnomAD 0.00052 and 0.00057; TOPMed 0.00076; 1000 Genomes Project 30x 0.00094; 1000 Genomes Project 0.00100.

Submissions (6):

Blueprint Genetics
Classification: Likely benign. Last evaluated: 2024-09-24. Review status: criteria provided, single submitter. Criteria: ACMG Guidelines, 2015. Collection method: clinical testing. Allele origin: germline.

Labcorp Genetics (formerly Invitae), Labcorp
Classification: Uncertain significance. Last evaluated: 2022-08-23. Review status: criteria provided, single submitter. Criteria: Invitae Variant Classification Sherloc (09022015). Collection method: clinical testing. Allele origin: germline.
Comment: This sequence change replaces proline, which is neutral and non-polar, with serine, which is neutral and polar, at codon 112 of the SDHAF1 protein (p.Pro112Ser). This variant is present in population databases (rs78119534, gnomAD 0.2%). This variant has not been reported in the literature in individuals affected with SDHAF1-related conditions. ClinVar contains an entry for this variant (Variation ID: 139090). Algorithms developed to predict the effect of missense changes on protein structure and function output the following: SIFT: "Tolerated"; PolyPhen-2: "Benign"; Align-GVGD: "Class C0". The serine amino acid residue is found in multiple mammalian species, which suggests that this missense change does not adversely affect protein function. In summary, the available evidence is currently insufficient to determine the role of this variant in disease. Therefore, it has been classified as a Variant of Uncertain Significance.

Mayo Clinic Laboratories, Mayo Clinic
Classification: Uncertain significance. Last evaluated: 2022-07-21. Review status: criteria provided, single submitter. Criteria: ACMG Guidelines, 2015. Collection method: clinical testing. Allele origin: germline. Observed: 1 variant allele.
Comment: BP4

CeGaT Center for Human Genetics Tuebingen
Classification: Likely benign. Last evaluated: 2018-12-01. Review status: criteria provided, single submitter. Criteria: CeGaT Center For Human Genetics Tuebingen Variant Classification Criteria Version 2. Collection method: clinical testing. Allele origin: germline. Affected: yes. Observed: 1 variant allele.

Illumina Laboratory Services, Illumina
Classification: Uncertain significance for Mitochondrial complex II deficiency, nuclear type 1. Last evaluated: 2018-01-12. Review status: criteria provided, single submitter. Criteria: ICSL Variant Classification Criteria 13 December 2019. Collection method: clinical testing. Allele origin: germline.

GeneDx
Classification: Benign. Last evaluated: 2012-11-28. Review status: criteria provided, single submitter. Criteria: GeneDx Variant Classification (06012015). Collection method: clinical testing. Allele origin: germline. Affected: yes.
Comment: This variant is considered likely benign or benign based on one or more of the following criteria: it is a conservative change, it occurs at a poorly conserved position in the protein, it is predicted to be benign by multiple in silico algorithms, and/or has population frequency not consistent with disease.

Literature cited by the submitters: PubMed 29517769 (cited by Mayo Clinic Laboratories, Mayo Clinic).